The following is an entry in ClinVar:

NM_021927.3(GUF1):c.1873-1G>A

Gene: GUF1 (GTP binding elongation factor GUF1; plus strand). Cytogenetic location: 4p12.
Variant type: single nucleotide variant.
Coding change: c.1873-1G>A on transcript NM_021927.3 (MANE Select); the canonical splice acceptor site of the intron before coding-DNA position 1873, G replaced by A.
Molecular consequence: splice acceptor variant.
Genome position (GRCh38, 1-based): chr4:44,698,543, G>A. VCF-style: chr4-44698543-G-A. GRCh37 (hg19) VCF-style: chr4-44700560-G-A.
Other names: c.1753-1G>A (NM_001345868.2); c.901-1G>A (NM_001345867.2, NM_001345869.2).
Identifiers: ClinVar variation 2069235 (VCV002069235.3), dbSNP rs200727870, ClinGen allele CA2905816.
Genomic context (GRCh38, chr4:44,698,543, plus strand): 5'-ATCATATGATTGTTTCTCTTTAGAGTGACTTAGACTTCCAATGTTTTAAAATATTTTTCA[G>A]TATGGTGGTGATATTACCCGAAAAATGAAGCTTTTGAAGAGACAAGCAGAAGGGAAAAAA-3'

ClinVar aggregate classification (germline): Uncertain significance (1 of 4 stars; one submission).

Allele frequency attached by ClinVar (database versions not stated): TOPMed 0.00004; ExAC 0.00003; gnomAD 0.00005; gnomAD exomes 0.00006; 1000 Genomes Project 30x 0.00016; 1000 Genomes Project 0.00020.
gnomAD v4.1: 95 of 1,585,194 alleles (0.006%); highest among the groups gnomAD compares: Non-Finnish European, 0.0079%; no homozygotes.

Submission:

Labcorp Genetics (formerly Invitae), Labcorp
Classification: Uncertain significance. Last evaluated: 2024-07-01. Review status: criteria provided, single submitter. Criteria: Invitae Variant Classification Sherloc (09022015). Collection method: clinical testing. Allele origin: germline.
Comment: This sequence change falls in intron 16 of the GUF1 gene. It does not directly change the encoded amino acid sequence of the GUF1 protein. It affects a nucleotide within the consensus splice site. This variant is present in population databases (rs200727870, gnomAD 0.005%). This variant has not been reported in the literature in individuals affected with GUF1-related conditions. ClinVar contains an entry for this variant (Variation ID: 2069235). Variants that disrupt the consensus splice site are a relatively common cause of aberrant splicing (PMID: 17576681, 9536098). Algorithms developed to predict the effect of sequence changes on RNA splicing suggest that this variant may disrupt the consensus splice site. In summary, the available evidence is currently insufficient to determine the role of this variant in disease. Therefore, it has been classified as a Variant of Uncertain Significance.

Literature cited by the submitters: PubMed 17576681; PubMed 9536098.